The following is an entry in ClinVar:

NM_002693.3(POLG):c.2100G>A (p.Glu700=)

Gene: POLG (DNA polymerase gamma, catalytic subunit; minus strand). Cytogenetic location: 15q26.1.
Variant type: single nucleotide variant.
Coding change: c.2100G>A on transcript NM_002693.3 (MANE Select); coding-DNA position 2100, G replaced by A.
Protein change: p.Glu700=; no amino-acid change (glutamic acid 700 retained).
Molecular consequence: synonymous variant.
Genome position (GRCh38, 1-based): chr15:89,323,872, C>T on the plus strand (G>A on the coding strand, the complement: POLG is on the minus strand). VCF-style: chr15-89323872-C-T. GRCh37 (hg19) VCF-style: chr15-89867103-C-T.
Other names: c.2100G>A, p.Glu700= (NM_001126131.2).
Identifiers: ClinVar variation 680331 (VCV000680331.30), dbSNP rs771321898, ClinGen allele CA7724587.

ClinVar aggregate classification (germline): Likely benign. Review status: criteria provided, multiple submitters, no conflicts (2 of 4 stars). 4 submissions from 4 submitters: Likely benign (3). 1 of the submissions does not count toward it. Last evaluated 2026-01-19.

Conditions:
POLG-related disorder. Also called: POLG-related condition; POLG-Related Disorders; POLG-Related Spectrum Disorders. Identifiers: MedGen C4763519.
Progressive sclerosing poliodystrophy (MTDPS4A). Also called: ALPERS DIFFUSE DEGENERATION OF CEREBRAL GRAY MATTER WITH HEPATIC CIRRHOSIS; Mitochondrial DNA Depletion Syndrome 4A; Alpers Syndrome; Alpers-Huttenlocher Syndrome; NEURONAL DEGENERATION OF CHILDHOOD WITH LIVER DISEASE, PROGRESSIVE; Mitochondrial DNA depletion syndrome 4A (Alpers type). Identifiers: Orphanet 726, MedGen C0205710, MONDO:0008758, OMIM 203700.

Allele frequency attached by ClinVar (database versions not stated): gnomAD 0.00001; gnomAD exomes 0.00001; ExAC 0.00002; TOPMed 0.00002.
gnomAD v4.1: 18 of 1,613,986 alleles (0.0011%); highest among the groups gnomAD compares: Middle Eastern, 0.016%; no homozygotes.

Submissions (4):

Labcorp Genetics (formerly Invitae), Labcorp
Classification: Likely benign for Progressive sclerosing poliodystrophy. Last evaluated: 2026-01-19. Review status: criteria provided, single submitter. Criteria: Invitae Variant Classification Sherloc (09022015). Collection method: clinical testing. Allele origin: germline.

CeGaT Center for Human Genetics Tuebingen
Classification: Likely benign. Last evaluated: 2023-12-01. Review status: criteria provided, single submitter. Criteria: CeGaT Center For Human Genetics Tuebingen Variant Classification Criteria Version 2. Collection method: clinical testing. Allele origin: germline. Affected: yes. Observed: 1 variant allele.
Comment: POLG: BP4, BP7

GeneDx
Classification: Likely benign. Last evaluated: 2018-03-21. Review status: criteria provided, single submitter. Criteria: GeneDx Variant Classification (06012015). Collection method: clinical testing. Allele origin: germline. Affected: yes.
Comment: This variant is considered likely benign or benign based on one or more of the following criteria: it is a conservative change, it occurs at a poorly conserved position in the protein, it is predicted to be benign by multiple in silico algorithms, and/or has population frequency not consistent with disease.

PreventionGenetics, part of Exact Sciences
Classification: Likely benign for POLG-related condition. Last evaluated: 2019-06-27. Review status: no assertion criteria provided. Collection method: clinical testing. Allele origin: germline. Not counted in ClinVar's aggregate classification.
Comment: This variant is classified as likely benign based on ACMG/AMP sequence variant interpretation guidelines (Richards et al. 2015 PMID: 25741868, with internal and published modifications).